The following is an entry in ClinVar:

ClinVar aggregate classification (germline): Likely pathogenic (1 of 4 stars; one submission).

Submission:

Labcorp Genetics (formerly Invitae), Labcorp
Classification: Likely pathogenic. Last evaluated: 2025-06-02. Review status: criteria provided, single submitter. Criteria: Invitae Variant Classification Sherloc (09022015). Collection method: clinical testing. Allele origin: germline.
Comment: This sequence change affects an acceptor splice site in intron 20 of the CEP152 gene. It is expected to disrupt RNA splicing. Variants that disrupt the donor or acceptor splice site typically lead to a loss of protein function (PMID: 16199547), and loss-of-function variants in CEP152 are known to be pathogenic (PMID: 21131973). This variant is not present in population databases (gnomAD no frequency). This variant has not been reported in the literature in individuals affected with CEP152-related conditions. ClinVar contains an entry for this variant (Variation ID: 2843909). Algorithms developed to predict the effect of sequence changes on RNA splicing suggest that this variant may disrupt the consensus splice site. In summary, the currently available evidence indicates that the variant is pathogenic, but additional data are needed to prove that conclusively. Therefore, this variant has been classified as Likely Pathogenic.

Literature cited by the submitters: PubMed 16199547; PubMed 21131973.

NM_001194998.2(CEP152):c.3346-2A>C

Gene: CEP152 (centrosomal protein 152; minus strand). Cytogenetic location: 15q21.1.
Variant type: single nucleotide variant.
Coding change: c.3346-2A>C on transcript NM_001194998.2 (MANE Select); the canonical splice acceptor site of the intron before coding-DNA position 3346, A replaced by C.
Molecular consequence: splice acceptor variant.
Genome position (GRCh38, 1-based): chr15:48,752,471, T>G on the plus strand (A>C on the coding strand, the complement: CEP152 is on the minus strand). VCF-style: chr15-48752471-T-G. GRCh37 (hg19) VCF-style: chr15-49044668-T-G.
Other names: c.3346-2A>C (NM_014985.4).
Identifiers: ClinVar variation 2843909 (VCV002843909.3), dbSNP rs2504572059, ClinGen allele CA392340832.
Genomic context (GRCh38, chr15:48,752,471, plus strand): 5'-GGGTCTCCTTGGCCAGTGCCCTGGCTGGCAGAATCCTTAGAGAGCTCGGCCATATTTCTC[T>G]GAAATAAAGTATCTTCAAAGTTAATGCTTAGTAAAAATCTTTATACAATTTTATATTTAA-3'